The following is an entry in ClinVar:

NM_003107.3(SOX4):c.173del (p.His58fs)

Gene: SOX4 (SRY-box transcription factor 4; plus strand). Cytogenetic location: 6p22.3.
Variant type: Deletion.
Coding change: c.173del on transcript NM_003107.3 (MANE Select); coding-DNA position 173, one base deleted (A; older notation c.173delA).
Protein change: p.His58fs; shifts the reading frame from histidine 58.
Molecular consequence: frameshift variant.
Genome position (GRCh38, 1-based): chr6:21,594,707, A deleted. VCF-style (leftmost placement, unchanged base first): chr6-21594706-CA-C. GRCh37 (hg19) VCF-style: chr6-21594937-CA-C.
Other names: short protein forms H58fs.
Identifiers: ClinVar variation 4854733 (VCV004854733.1).

ClinVar aggregate classification (germline): Likely pathogenic (1 of 4 stars; one submission).

Conditions:
Coffin-Siris syndrome 10. Also called: INTELLECTUAL DEVELOPMENTAL DISORDER WITH SPEECH DELAY AND DYSMORPHIC FACIES. Identifiers: MedGen C4760583, MONDO:0032791, OMIM 618506.

Submission:

3billion
Classification: Likely pathogenic for Coffin-Siris syndrome 10. Last evaluated: 2025-12-23. Review status: criteria provided, single submitter. Criteria: ACMG Guidelines, 2015. Collection method: clinical testing. Allele origin: germline. Affected: yes.
Comment: The variant is not observed in the gnomAD v4.1.0 dataset. Predicted Consequence/Location: Frameshift: predicted to result in a loss or disruption of normal protein function through protein truncation. The predicted truncated protein may be shortened by more than 10%. Therefore, this variant is classified as Likely pathogenic according to the recommendation of ACMG/AMP guideline.